The following is an entry in ClinVar:

NM_001099922.3(ALG13):c.2312A>G (p.His771Arg)

Gene: ALG13 (ALG13 UDP-N-acetylglucosaminyltransferase subunit; plus strand). Cytogenetic location: Xq23.
Variant type: single nucleotide variant.
Coding change: c.2312A>G on transcript NM_001099922.3 (MANE Select); coding-DNA position 2312, A replaced by G.
Protein change: p.His771Arg; replaces histidine 771 with arginine.
Molecular consequence: missense variant. On other transcripts: non-coding transcript variant (1).
Genome position (GRCh38, 1-based): chrX:111,728,249, A>G. VCF-style: chrX-111728249-A-G. GRCh37 (hg19) VCF-style: chrX-110971477-A-G.
Other names: c.2000A>G, p.His667Arg (NM_001257230.2, NM_001257234.2, NM_001257237.2); c.2078A>G, p.His693Arg (NM_001257231.2); c.2312A>G, p.His771Arg (NM_001324292.2); c.1826A>G, p.His609Arg (NM_001324293.1); short protein forms H609R, H667R, H693R, H771R.
Identifiers: ClinVar variation 1015214 (VCV001015214.12), dbSNP rs756114101, ClinGen allele CA334444542.

ClinVar aggregate classification (germline): Uncertain significance. Review status: criteria provided, multiple submitters, no conflicts (2 of 4 stars). 3 submissions from 3 submitters: Uncertain significance (3). Last evaluated 2024-05-05.

Conditions:
Developmental and epileptic encephalopathy, 36 (DEE36). Also called: ALG13-CDG; Epileptic encephalopathy, early infantile, 36; Congenital disorder of glycosylation, type Is. Identifiers: Orphanet 324422, MedGen C4317295, MONDO:0010472, OMIM 300884.

Allele frequency attached by ClinVar (database versions not stated): gnomAD 0.00001; gnomAD exomes 0.00001; TOPMed 0.00002.
gnomAD v4.1: 16 of 1,210,059 alleles (0.0013%); highest among the groups gnomAD compares: Non-Finnish European, 0.0018%; no homozygotes.

Submissions (3):

Labcorp Genetics (formerly Invitae), Labcorp
Classification: Uncertain significance for Developmental and epileptic encephalopathy, 36. Last evaluated: 2024-05-05. Review status: criteria provided, single submitter. Criteria: Invitae Variant Classification Sherloc (09022015). Collection method: clinical testing. Allele origin: germline.
Comment: This sequence change replaces histidine, which is basic and polar, with arginine, which is basic and polar, at codon 771 of the ALG13 protein (p.His771Arg). This variant is present in population databases (rs756114101, gnomAD 0.001%), including at least one homozygous and/or hemizygous individual. This variant has not been reported in the literature in individuals affected with ALG13-related conditions. ClinVar contains an entry for this variant (Variation ID: 1015214). Advanced modeling of protein sequence and biophysical properties (such as structural, functional, and spatial information, amino acid conservation, physicochemical variation, residue mobility, and thermodynamic stability) performed at Invitae indicates that this missense variant is not expected to disrupt ALG13 protein function with a negative predictive value of 80%. In summary, the available evidence is currently insufficient to determine the role of this variant in disease. Therefore, it has been classified as a Variant of Uncertain Significance.

GeneDx
Classification: Uncertain significance. Last evaluated: 2024-03-17. Review status: criteria provided, single submitter. Criteria: GeneDx Variant Classification Process June 2021. Collection method: clinical testing. Allele origin: germline. Affected: yes.
Comment: In silico analysis supports that this missense variant does not alter protein structure/function; Has not been previously published as pathogenic or benign to our knowledge

Fulgent Genetics
Classification: Uncertain significance for Developmental and epileptic encephalopathy, 36. Last evaluated: 2021-10-22. Review status: criteria provided, single submitter. Criteria: ACMG Guidelines, 2015. Collection method: clinical testing. Allele origin: unknown.